The following is an entry in ClinVar:

NM_001127222.2(CACNA1A):c.4448G>A (p.Arg1483His)

Gene: CACNA1A (calcium voltage-gated channel subunit alpha1 A; minus strand). Cytogenetic location: 19p13.13.
Variant type: single nucleotide variant.
Coding change: c.4448G>A on transcript NM_001127222.2 (MANE Select); coding-DNA position 4448, G replaced by A.
Protein change: p.Arg1483His; replaces arginine 1483 with histidine.
Molecular consequence: missense variant.
Genome position (GRCh38, 1-based): chr19:13,257,492, C>T on the plus strand (G>A on the coding strand, the complement: CACNA1A is on the minus strand). VCF-style: chr19-13257492-C-T. GRCh37 (hg19) VCF-style: chr19-13368306-C-T.
Other names: c.4460G>A, p.Arg1487His (NM_000068.4, NM_023035.3); c.4451G>A, p.Arg1484His (NM_001127221.2, NM_001174080.2); short protein forms R1483H, R1484H, R1487H.
Identifiers: ClinVar variation 2572322 (VCV002572322.3), dbSNP rs1271930393, ClinGen allele CA404339047.

ClinVar aggregate classification (germline): Uncertain significance. Review status: criteria provided, multiple submitters, no conflicts (2 of 4 stars). 2 submissions from 2 submitters: Uncertain significance (2). Last evaluated 2026-09-01.

Allele frequency attached by ClinVar (database versions not stated): gnomAD exomes below 0.00001; gnomAD 0.00001; TOPMed below 0.00001.
gnomAD v4.1: 4 of 1,609,198 alleles (0.00025%); highest among the groups gnomAD compares: Non-Finnish European, 0.00025%; no homozygotes.

Submissions (2):

GeneDx
Classification: Uncertain significance. Last evaluated: 2026-09-01. Review status: criteria provided, single submitter. Criteria: GeneDx Variant Classification Process June 2021. Collection method: clinical testing. Allele origin: germline.
Comment: Not observed at significant frequency in large population cohorts (gnomAD); In silico analysis supports that this missense variant has a deleterious effect on protein structure/function; Has not been previously published as pathogenic or benign in association with a CACNA1A-related disorder to our knowledge; This variant is associated with the following publications: (PMID: 40127276)

Greenwood Genetic Center Diagnostic Laboratories, Greenwood Genetic Center
Classification: Uncertain significance. Last evaluated: 2023-04-12. Review status: criteria provided, single submitter. Criteria: ACMG Guidelines, 2015. Collection method: clinical testing. Allele origin: germline. Affected: yes.
Comment: PM2